The following is an entry in ClinVar:

NM_017654.4(SAMD9):c.1645G>C (p.Val549Leu)

Gene: SAMD9 (sterile alpha motif domain containing 9; minus strand). Cytogenetic location: 7q21.2.
Variant type: single nucleotide variant.
Coding change: c.1645G>C on transcript NM_017654.4 (MANE Select); coding-DNA position 1645, G replaced by C.
Protein change: p.Val549Leu; replaces valine 549 with leucine.
Molecular consequence: missense variant.
Genome position (GRCh38, 1-based): chr7:93,104,453, C>G on the plus strand (G>C on the coding strand, the complement: SAMD9 is on the minus strand). VCF-style: chr7-93104453-C-G. GRCh37 (hg19) VCF-style: chr7-92733766-C-G.
Other names: c.1645G>C, p.Val549Leu (NM_001193307.2); short protein forms V549L.
Identifiers: ClinVar variation 2835626 (VCV002835626.4), dbSNP rs10279499, ClinGen allele CA161992513.

ClinVar aggregate classification (germline): Uncertain significance. Review status: criteria provided, multiple submitters, no conflicts (2 of 4 stars). 2 submissions from 2 submitters: Uncertain significance (2). Last evaluated 2023-03-08.

Submissions (2):

Labcorp Genetics (formerly Invitae), Labcorp
Classification: Uncertain significance. Last evaluated: 2023-03-08. Review status: criteria provided, single submitter. Criteria: Invitae Variant Classification Sherloc (09022015). Collection method: clinical testing. Allele origin: germline.
Comment: Advanced modeling of protein sequence and biophysical properties (such as structural, functional, and spatial information, amino acid conservation, physicochemical variation, residue mobility, and thermodynamic stability) has been performed at Invitae for this missense variant, however the output from this modeling did not meet the statistical confidence thresholds required to predict the impact of this variant on SAMD9 protein function. This missense change has been observed in individual(s) with clinical features of SAMD9-related conditions (PMID: 34906475). This variant is not present in population databases (gnomAD no frequency). This sequence change replaces valine, which is neutral and non-polar, with leucine, which is neutral and non-polar, at codon 549 of the SAMD9 protein (p.Val549Leu). Experimental studies have shown that this missense change does not substantially affect SAMD9 function (PMID: 34621053). In summary, the available evidence is currently insufficient to determine the role of this variant in disease. Therefore, it has been classified as a Variant of Uncertain Significance.

Blueprint Genetics
Classification: Uncertain significance. Last evaluated: 2021-12-01. Review status: criteria provided, single submitter. Criteria: ACMG Guidelines, 2015. Collection method: clinical testing. Allele origin: germline.

Literature cited by the submitters: PubMed 34906475 (cited by Labcorp Genetics (formerly Invitae), Labcorp); PubMed 34621053 (cited by Labcorp Genetics (formerly Invitae), Labcorp).